The following is an entry in ClinVar:

NM_001080395.3(LMTK1):c.933C>T (p.Val311=)

Gene: LMTK1 (lemur tail kinase 1; minus strand). Cytogenetic location: 17q25.3.
Variant type: single nucleotide variant.
Coding change: c.933C>T on transcript NM_001080395.3 (MANE Select); coding-DNA position 933, C replaced by T.
Protein change: p.Val311=; no amino-acid change (valine 311 retained).
Molecular consequence: synonymous variant.
Genome position (GRCh38, 1-based): chr17:81,124,756, G>A on the plus strand (C>T on the coding strand, the complement: LMTK1 is on the minus strand). VCF-style: chr17-81124756-G-A. GRCh37 (hg19) VCF-style: chr17-79098556-G-A.
Other names: c.624C>T, p.Val208= (NM_004920.3).
Identifiers: ClinVar variation 2648433 (VCV002648433.24), dbSNP rs769446785, ClinGen allele CA8828353.

ClinVar aggregate classification (germline): Likely benign (1 of 4 stars; one submission).

Allele frequency attached by ClinVar (database versions not stated): gnomAD 0.00003; gnomAD exomes 0.00003; TOPMed 0.00003; ExAC 0.00003.
gnomAD v4.1: 48 of 1,612,788 alleles (0.003%); highest among the groups gnomAD compares: East Asian, 0.0045%; no homozygotes.

Submission:

CeGaT Center for Human Genetics Tuebingen
Classification: Likely benign. Last evaluated: 2022-06-01. Review status: criteria provided, single submitter. Criteria: CeGaT Center For Human Genetics Tuebingen Variant Classification Criteria Version 2. Collection method: clinical testing. Allele origin: germline. Affected: yes. Observed: 1 variant allele.
Comment: AATK: BP4, BP7